The following is an entry in ClinVar:

NM_000540.3(RYR1):c.1859T>G (p.Ile620Ser)

Gene: RYR1 (ryanodine receptor 1; plus strand). Cytogenetic location: 19q13.2.
Variant type: single nucleotide variant.
Coding change: c.1859T>G on transcript NM_000540.3 (MANE Select); coding-DNA position 1859, T replaced by G.
Protein change: p.Ile620Ser; replaces isoleucine 620 with serine.
Molecular consequence: missense variant.
Genome position (GRCh38, 1-based): chr19:38,457,564, T>G. VCF-style: chr19-38457564-T-G. GRCh37 (hg19) VCF-style: chr19-38948204-T-G.
Other names: c.1859T>G, p.Ile620Ser (NM_001042723.2); short protein forms I620S.
Identifiers: ClinVar variation 649885 (VCV000649885.10), dbSNP rs1568450514, ClinGen allele CA405693970.

ClinVar aggregate classification (germline): Uncertain significance (1 of 4 stars; one submission).

Conditions:
RYR1-related disorder. Also called: RYR1-related disorders; RYR1-related condition. Identifiers: MedGen CN239331.

Submission:

Labcorp Genetics (formerly Invitae), Labcorp
Classification: Uncertain significance for RYR1-related disorder. Last evaluated: 2019-07-11. Review status: criteria provided, single submitter. Criteria: Invitae Variant Classification Sherloc (09022015). Collection method: clinical testing. Allele origin: germline.
Comment: In summary, the available evidence is currently insufficient to determine the role of this variant in disease. Therefore, it has been classified as a Variant of Uncertain Significance. Algorithms developed to predict the effect of missense changes on protein structure and function are either unavailable or do not agree on the potential impact of this missense change (SIFT: "Deleterious"; PolyPhen-2: "Probably Damaging"; Align-GVGD: "Class C0"). This variant has not been reported in the literature in individuals with RYR1-related disease. This variant is not present in population databases (ExAC no frequency). This sequence change replaces isoleucine with serine at codon 620 of the RYR1 protein (p.Ile620Ser). The isoleucine residue is highly conserved and there is a large physicochemical difference between isoleucine and serine.